The following is an entry in ClinVar:

NM_001365276.2(TNXB):c.2054C>G (p.Ala685Gly)

Gene: TNXB (tenascin XB; minus strand). Cytogenetic location: 6p21.33.
Variant type: single nucleotide variant.
Coding change: c.2054C>G on transcript NM_001365276.2 (MANE Select); coding-DNA position 2054, C replaced by G.
Protein change: p.Ala685Gly; replaces alanine 685 with glycine.
Molecular consequence: missense variant.
Genome position (GRCh38, 1-based): chr6:32,095,799, G>C on the plus strand (C>G on the coding strand, the complement: TNXB is on the minus strand). VCF-style: chr6-32095799-G-C. GRCh37 (hg19) VCF-style: chr6-32063576-G-C.
Other names: c.2054C>G, p.Ala685Gly (NM_019105.8); short protein forms A685G.
Identifiers: ClinVar variation 2446954 (VCV002446954.4), dbSNP rs768510054, ClinGen allele CA3735565.

ClinVar aggregate classification (germline): Uncertain significance. Review status: criteria provided, multiple submitters, no conflicts (2 of 4 stars). 2 submissions from 2 submitters: Uncertain significance (2). Last evaluated 2026-02-27.

Conditions:
Cardiovascular phenotype. Identifiers: MedGen CN230736.

Allele frequency attached by ClinVar (database versions not stated): gnomAD exomes 0.00001; ExAC 0.00002; gnomAD 0.00001; TOPMed below 0.00001.
gnomAD v4.1: 10 of 1,612,948 alleles (0.00062%); highest among the groups gnomAD compares: Admixed American, 0.0033%; no homozygotes.

Submissions (2):

Dasa
Classification: Uncertain significance. Last evaluated: 2026-02-27. Review status: criteria provided, single submitter. Criteria: DASA Assertion Criteria. Collection method: clinical testing. Allele origin: germline.
Comment: NM_001365276.2(TNXB):c.2054C>G (p.Ala685Gly) is a missense variant that results in the substitution of alanine with glycine. This variant is rare in population databases. Computational prediction algorithms are consistent with a benign effect. The currently available literature and clinical evidence are not sufficient to establish a definitive association between this variant and the reported condition. Therefore, this variant is classified as a variant of uncertain significance.

Ambry Genetics
Classification: Uncertain significance for Cardiovascular phenotype. Last evaluated: 2022-11-10. Review status: criteria provided, single submitter. Criteria: Ambry Variant Classification Scheme 2023. Collection method: clinical testing. Allele origin: germline.
Comment: The p.A685G variant (also known as c.2054C>G), located in coding exon 2 of the TNXB gene, results from a C to G substitution at nucleotide position 2054. The alanine at codon 685 is replaced by glycine, an amino acid with similar properties. This amino acid position is conserved. In addition, this alteration is predicted to be tolerated by in silico analysis. Since supporting evidence is limited at this time, the clinical significance of this alteration remains unclear.